The following is an entry in ClinVar:

NM_001987.5(ETV6):c.751T>A (p.Ser251Thr)

Gene: ETV6 (ETS variant transcription factor 6; plus strand). Cytogenetic location: 12p13.2.
Variant type: single nucleotide variant.
Coding change: c.751T>A on transcript NM_001987.5 (MANE Select); coding-DNA position 751, T replaced by A.
Protein change: p.Ser251Thr; replaces serine 251 with threonine.
Molecular consequence: missense variant.
Genome position (GRCh38, 1-based): chr12:11,869,711, T>A. VCF-style: chr12-11869711-T-A. GRCh37 (hg19) VCF-style: chr12-12022645-T-A.
Other names: c.748T>A, p.Ser250Thr (NM_001413913.1); c.724T>A, p.Ser242Thr (NM_001413914.1); c.487T>A, p.Ser163Thr (NM_001413915.1); c.751T>A, p.Ser251Thr (NM_001413916.1, NM_001413917.1); short protein forms S163T, S242T, S250T, S251T.
Identifiers: ClinVar variation 4251472 (VCV004251472.2).

ClinVar aggregate classification (germline): Uncertain significance. Review status: criteria provided, multiple submitters, no conflicts (2 of 4 stars). 2 submissions from 2 submitters: Uncertain significance (2). Last evaluated 2025-08-07.

Conditions:
Inborn genetic diseases. Identifiers: MedGen C0950123, MeSH D030342.

Submissions (2):

Ambry Genetics
Classification: Uncertain significance for Inborn genetic diseases. Last evaluated: 2025-08-07. Review status: criteria provided, single submitter. Criteria: Ambry Variant Classification Scheme 2023. Collection method: clinical testing. Allele origin: germline.
Comment: The p.S251T variant (also known as c.751T>A), located in coding exon 5 of the ETV6 gene, results from a T to A substitution at nucleotide position 751. The serine at codon 251 is replaced by threonine, an amino acid with similar properties. This amino acid position is conserved. In addition, this alteration is predicted to be tolerated by in silico analysis. Based on the available evidence, the clinical significance of this variant remains unclear.

Blueprint Genetics
Classification: Uncertain significance. Last evaluated: 2021-09-04. Review status: criteria provided, single submitter. Criteria: ACMG Guidelines, 2015. Collection method: clinical testing. Allele origin: germline.